The following is an entry in ClinVar:

ClinVar aggregate classification (germline): Uncertain significance (1 of 4 stars; one submission).

Conditions:
Hereditary cancer-predisposing syndrome. Also called: Hereditary Cancer Syndrome; Hereditary neoplastic syndrome; Neoplastic Syndromes, Hereditary; Tumor predisposition. Identifiers: Orphanet 140162, MedGen C0027672, MeSH D009386, MONDO:0015356.

Submission:

Ambry Genetics
Classification: Uncertain significance for Hereditary cancer-predisposing syndrome. Last evaluated: 2023-12-11. Review status: criteria provided, single submitter. Criteria: Ambry Variant Classification Scheme 2023. Collection method: clinical testing. Allele origin: germline.
Comment: The p.V1493L variant (also known as c.4477G>C), located in coding exon 12 of the BRCA1 gene, results from a G to C substitution at nucleotide position 4477. The valine at codon 1493 is replaced by leucine, an amino acid with highly similar properties. This amino acid position is poorly conserved in available vertebrate species. In addition, this alteration is predicted to be tolerated by in silico analysis. Since supporting evidence is limited at this time, the clinical significance of this alteration remains unclear.

Literature cited by the submitters: PubMed 25348012.

NM_007294.4(BRCA1):c.4477G>C (p.Val1493Leu)

Gene: BRCA1 (BRCA1 DNA repair associated; minus strand). Cytogenetic location: 17q21.31.
Variant type: single nucleotide variant.
Coding change: c.4477G>C on transcript NM_007294.4 (MANE Select); coding-DNA position 4477, G replaced by C.
Protein change: p.Val1493Leu; replaces valine 1493 with leucine.
Molecular consequence: missense variant. On other transcripts: non-coding transcript variant (1).
Genome position (GRCh38, 1-based): chr17:43,076,495, C>G on the plus strand (G>C on the coding strand, the complement: BRCA1 is on the minus strand). VCF-style: chr17-43076495-C-G. GRCh37 (hg19) VCF-style: chr17-41228512-C-G.
Other names: c.4264G>C, p.Val1422Leu (NM_001407571.1, NM_001407894.1, NM_001407895.1 and 12 more transcripts); c.4543G>C, p.Val1515Leu (NM_001407581.1, NM_001407582.1); c.4540G>C, p.Val1514Leu (NM_001407583.1, NM_001407585.1, NM_001407587.1 and 1 more transcripts); c.4537G>C, p.Val1513Leu (NM_001407590.1, NM_001407591.1); c.4477G>C, p.Val1493Leu (NM_001407593.1, NM_001407594.1, NM_001407596.1 and 8 more transcripts); c.4474G>C, p.Val1492Leu (NM_001407610.1, NM_001407611.1, NM_001407612.1 and 17 more transcripts); c.4471G>C, p.Val1491Leu (NM_001407627.1, NM_001407628.1, NM_001407629.1 and 14 more transcripts); c.4468G>C, p.Val1490Leu (NM_001407644.1, NM_001407645.1); and 68 more; short protein forms V388L, V390L, V411L, V1324L, V1452L, V1493L, V300L, V301L.
Identifiers: ClinVar variation 1740863 (VCV001740863.2), dbSNP rs949577051, ClinGen allele CA10592578.
Genomic context (GRCh38, chr17:43,076,495, plus strand): 5'-AATATAAATAAAGATGTCAGATACCACAGCATCTTTACATTGATGTTTCTTACCTTTCCA[C>G]TCCTGGTTCTTTATTTTTACTGGTAGAACTATCTGCAGACACCTCAAACTTGTCAGCAGA-3'
Protein context (NP_009225.1, residues 1483-1503): SSTSKNKEPG[Val1493Leu]ERSSPSKCPS